The following is an entry in ClinVar:

NM_052947.4(ALPK2):c.3181T>A (p.Leu1061Ile)

Gene: ALPK2 (alpha kinase 2; minus strand). Cytogenetic location: 18q21.31.
Variant type: single nucleotide variant.
Coding change: c.3181T>A on transcript NM_052947.4 (MANE Select); coding-DNA position 3181, T replaced by A.
Protein change: p.Leu1061Ile; replaces leucine 1061 with isoleucine.
Molecular consequence: missense variant.
Genome position (GRCh38, 1-based): chr18:58,537,006, A>T on the plus strand (T>A on the coding strand, the complement: ALPK2 is on the minus strand). VCF-style: chr18-58537006-A-T. GRCh37 (hg19) VCF-style: chr18-56204238-A-T.
Other names: short protein forms L1061I.
Identifiers: ClinVar variation 2626021 (VCV002626021.2), dbSNP rs2518876786, ClinGen allele CA402568930.

ClinVar aggregate classification (germline): Uncertain significance (1 of 4 stars; one submission).

Submission:

Ambry Genetics
Classification: Uncertain significance. Last evaluated: 2023-08-03. Review status: criteria provided, single submitter. Criteria: Ambry Variant Classification Scheme 2023. Collection method: clinical testing. Allele origin: germline.
Comment: The p.L1061I variant (also known as c.3181T>A), located in coding exon 4 of the ALPK2 gene, results from a T to A substitution at nucleotide position 3181. The leucine at codon 1061 is replaced by isoleucine, an amino acid with highly similar properties. This amino acid position is conserved. In addition, this alteration is predicted to be tolerated by in silico analysis. Since supporting evidence is limited at this time, the clinical significance of this alteration remains unclear.